The following is an entry in ClinVar:

ClinVar aggregate classification (germline): Uncertain significance (1 of 4 stars; one submission).

Conditions:
Hereditary cancer-predisposing syndrome. Also called: Neoplastic Syndromes, Hereditary; Tumor predisposition; Hereditary Cancer Syndrome; Hereditary neoplastic syndrome. Identifiers: Orphanet 140162, MedGen C0027672, MeSH D009386, MONDO:0015356.

Submission:

Ambry Genetics
Classification: Uncertain significance for Hereditary cancer-predisposing syndrome. Last evaluated: 2022-06-03. Review status: criteria provided, single submitter. Criteria: Ambry Variant Classification Scheme 2023. Collection method: clinical testing. Allele origin: germline.
Comment: The p.N300D variant (also known as c.898A>G), located in coding exon 7 of the POT1 gene, results from an A to G substitution at nucleotide position 898. The asparagine at codon 300 is replaced by aspartic acid, an amino acid with highly similar properties. This amino acid position is conserved. In addition, this alteration is predicted to be tolerated by in silico analysis. Since supporting evidence is limited at this time, the clinical significance of this alteration remains unclear.

NM_015450.3(POT1):c.898A>G (p.Asn300Asp)

Gene: POT1 (protection of telomeres 1; minus strand). Cytogenetic location: 7q31.33.
Variant type: single nucleotide variant.
Coding change: c.898A>G on transcript NM_015450.3 (MANE Select); coding-DNA position 898, A replaced by G.
Protein change: p.Asn300Asp; replaces asparagine 300 with aspartic acid.
Molecular consequence: missense variant. On other transcripts: non-coding transcript variant (3).
Genome position (GRCh38, 1-based): chr7:124,851,923, T>C on the plus strand (A>G on the coding strand, the complement: POT1 is on the minus strand). VCF-style: chr7-124851923-T-C. GRCh37 (hg19) VCF-style: chr7-124491977-T-C.
Other names: c.505A>G, p.Asn169Asp (NM_001042594.2); short protein forms N300D, N169D.
Identifiers: ClinVar variation 1765337 (VCV001765337.2), dbSNP rs774946163, ClinGen allele CA369054439.